The following is an entry in ClinVar:

ClinVar aggregate classification (germline): Uncertain significance (1 of 4 stars; one submission).

Conditions:
Biotin-responsive basal ganglia disease (BTBGD). Also called: Thiamine metabolism dysfunction syndrome 2 (biotin- or thiamine-responsive encephalopathy type 2); thiamine-responsive encephalopathy; Thiamine metabolism dysfunction syndrome type 2; THIAMINE METABOLISM DYSFUNCTION SYNDROME 2 (BIOTIN- AND THIAMINE-RESPONSIVE TYPE); Thiamine Transporter-2 Deficiency. Identifiers: Orphanet 199348, Orphanet 65284, MedGen C1843807, MONDO:0011841, OMIM 607483.

Allele frequency attached by ClinVar (database versions not stated): gnomAD exomes below 0.00001.
gnomAD v4.1: 4 of 1,614,134 alleles (0.00025%); highest among the groups gnomAD compares: Non-Finnish European, 0.00034%; no homozygotes.

Submission:

Labcorp Genetics (formerly Invitae), Labcorp
Classification: Uncertain significance for Biotin-responsive basal ganglia disease. Last evaluated: 2022-09-01. Review status: criteria provided, single submitter. Criteria: Invitae Variant Classification Sherloc (09022015). Collection method: clinical testing. Allele origin: germline.
Comment: This sequence change replaces cysteine, which is neutral and slightly polar, with tryptophan, which is neutral and slightly polar, at codon 372 of the SLC19A3 protein (p.Cys372Trp). This variant is not present in population databases (gnomAD no frequency). This variant has not been reported in the literature in individuals affected with SLC19A3-related conditions. ClinVar contains an entry for this variant (Variation ID: 1463880). Advanced modeling of protein sequence and biophysical properties (such as structural, functional, and spatial information, amino acid conservation, physicochemical variation, residue mobility, and thermodynamic stability) performed at Invitae indicates that this missense variant is expected to disrupt SLC19A3 protein function. Algorithms developed to predict the effect of sequence changes on RNA splicing suggest that this variant may create or strengthen a splice site. In summary, the available evidence is currently insufficient to determine the role of this variant in disease. Therefore, it has been classified as a Variant of Uncertain Significance.

NM_025243.4(SLC19A3):c.1116C>G (p.Cys372Trp)

Gene: SLC19A3 (solute carrier family 19 member 3; minus strand). Cytogenetic location: 2q36.3.
Variant type: single nucleotide variant.
Coding change: c.1116C>G on transcript NM_025243.4 (MANE Select); coding-DNA position 1116, C replaced by G.
Protein change: p.Cys372Trp; replaces cysteine 372 with tryptophan.
Molecular consequence: missense variant.
Genome position (GRCh38, 1-based): chr2:227,695,945, G>C on the plus strand (C>G on the coding strand, the complement: SLC19A3 is on the minus strand). VCF-style: chr2-227695945-G-C. GRCh37 (hg19) VCF-style: chr2-228560661-G-C.
Other names: c.1116C>G, p.Cys372Trp (NM_001371411.1, NM_001371412.1); c.1104C>G, p.Cys368Trp (NM_001371413.1, NM_001371414.1); short protein forms C368W, C372W.
Identifiers: ClinVar variation 1463880 (VCV001463880.3), dbSNP rs201899804, ClinGen allele CA66658852.
Genomic context (GRCh38, chr2:227,695,945, plus strand): 5'-TTACACTGCTATGGTTATAAGAAGCATATAGCTGGACTTGAATATCAAATAGCCAGCATA[G>C]CACGCCCAGATATTGGCTGTGTAATGCATGAGAAATAAAGAACCGGCATTGACAACTGAG-3'
Protein context (NP_079519.1, residues 362-382): LMHYTANIWA[Cys372Trp]YAGYLIFKSS